The following is an entry in ClinVar:

NM_014639.4(SKIC3):c.2674C>G (p.Pro892Ala)

Gene: SKIC3 (SKI3 subunit of superkiller complex; minus strand). Cytogenetic location: 5q15.
Variant type: single nucleotide variant.
Coding change: c.2674C>G on transcript NM_014639.4 (MANE Select); coding-DNA position 2674, C replaced by G.
Protein change: p.Pro892Ala; replaces proline 892 with alanine.
Molecular consequence: missense variant.
Genome position (GRCh38, 1-based): chr5:95,514,884, G>C on the plus strand (C>G on the coding strand, the complement: SKIC3 is on the minus strand). VCF-style: chr5-95514884-G-C. GRCh37 (hg19) VCF-style: chr5-94850588-G-C.
Other names: short protein forms P892A.
Identifiers: ClinVar variation 1373222 (VCV001373222.5), dbSNP rs926304342, ClinGen allele CA122851057.

ClinVar aggregate classification (germline): Uncertain significance (1 of 4 stars; one submission).

Allele frequency attached by ClinVar (database versions not stated): gnomAD 0.00001; TOPMed 0.00001; gnomAD exomes 0.00001.
gnomAD v4.1: 15 of 1,612,278 alleles (0.00093%); highest among the groups gnomAD compares: Admixed American, 0.0067%; no homozygotes.

Submission:

Labcorp Genetics (formerly Invitae), Labcorp
Classification: Uncertain significance. Last evaluated: 2022-09-06. Review status: criteria provided, single submitter. Criteria: Invitae Variant Classification Sherloc (09022015). Collection method: clinical testing. Allele origin: germline.
Comment: This sequence change replaces proline, which is neutral and non-polar, with alanine, which is neutral and non-polar, at codon 892 of the TTC37 protein (p.Pro892Ala). This variant is present in population databases (no rsID available, gnomAD 0.006%). This variant has not been reported in the literature in individuals affected with TTC37-related conditions. ClinVar contains an entry for this variant (Variation ID: 1373222). Algorithms developed to predict the effect of missense changes on protein structure and function are either unavailable or do not agree on the potential impact of this missense change (SIFT: "Deleterious"; PolyPhen-2: "Probably Damaging"; Align-GVGD: "Class C0"). In summary, the available evidence is currently insufficient to determine the role of this variant in disease. Therefore, it has been classified as a Variant of Uncertain Significance.